The following is an entry in ClinVar:

ClinVar aggregate classification (germline): Uncertain significance (1 of 4 stars; one submission).

Conditions:
Congenital myasthenic syndrome 8. Also called: MYASTHENIC SYNDROME, CONGENITAL, DUE TO AGRIN DEFICIENCY; Myasthenic syndrome, congenital, 8, with pre- and postsynaptic defects. Identifiers: Orphanet 590, MedGen C3808739, MONDO:0014052, OMIM 615120.

Submission:

Labcorp Genetics (formerly Invitae), Labcorp
Classification: Uncertain significance for Congenital myasthenic syndrome 8. Last evaluated: 2021-09-06. Review status: criteria provided, single submitter. Criteria: Invitae Variant Classification Sherloc (09022015). Collection method: clinical testing. Allele origin: germline.
Comment: This sequence change replaces arginine with glycine at codon 1433 of the AGRN protein (p.Arg1433Gly). The arginine residue is highly conserved and there is a moderate physicochemical difference between arginine and glycine. The frequency data for this variant in the population databases is considered unreliable, as metrics indicate insufficient coverage at this position in the ExAC database. This variant has not been reported in the literature in individuals affected with AGRN-related conditions. Algorithms developed to predict the effect of missense changes on protein structure and function are either unavailable or do not agree on the potential impact of this missense change (SIFT: "Deleterious"; PolyPhen-2: "Benign"; Align-GVGD: "Class C0"). Algorithms developed to predict the effect of sequence changes on RNA splicing suggest that this variant may disrupt the consensus splice site. In summary, the available evidence is currently insufficient to determine the role of this variant in disease. Therefore, it has been classified as a Variant of Uncertain Significance.

NM_198576.4(AGRN):c.4297A>G (p.Arg1433Gly)

Gene: AGRN (agrin; plus strand). Cytogenetic location: 1p36.33.
Variant type: single nucleotide variant.
Coding change: c.4297A>G on transcript NM_198576.4 (MANE Select); coding-DNA position 4297, A replaced by G.
Protein change: p.Arg1433Gly; replaces arginine 1433 with glycine.
Molecular consequence: missense variant.
Genome position (GRCh38, 1-based): chr1:1,049,058, A>G. VCF-style: chr1-1049058-A-G. GRCh37 (hg19) VCF-style: chr1-984438-A-G.
Other names: c.4297A>G, p.Arg1433Gly (NM_001305275.2); c.3982A>G, p.Arg1328Gly (NM_001364727.2); short protein forms R1328G, R1433G.
Identifiers: ClinVar variation 1023454 (VCV001023454.7), dbSNP rs1645188866, ClinGen allele CA337777043.